The following is an entry in ClinVar:

NM_004136.4(IREB2):c.1251G>T (p.Leu417Phe)

Gene: IREB2 (iron responsive element binding protein 2; plus strand). Cytogenetic location: 15q25.1.
Variant type: single nucleotide variant.
Coding change: c.1251G>T on transcript NM_004136.4 (MANE Select); coding-DNA position 1251, G replaced by T.
Protein change: p.Leu417Phe; replaces leucine 417 with phenylalanine.
Molecular consequence: missense variant.
Genome position (GRCh38, 1-based): chr15:78,478,352, G>T. VCF-style: chr15-78478352-G-T. GRCh37 (hg19) VCF-style: chr15-78770694-G-T.
Other names: c.501G>T, p.Leu167Phe (NM_001320941.2); c.1080G>T, p.Leu360Phe (NM_001320942.2, NM_001354994.2); short protein forms L167F, L417F, L360F.
Identifiers: ClinVar variation 2109496 (VCV002109496.4), dbSNP rs755852181, ClinGen allele CA7682927.
Genomic context (GRCh38, chr15:78,478,352, plus strand): 5'-TTTAGGTTTTAGCAAAGCCAAACTCGAATCAATGGAAACATACCTTAAAGCTGTGAAATT[G>T]TTTCGAAATGACCAGAATTCTTCAGGAGAACCTGAATACTCCCAGGTATATGCAGAATAA-3'
Protein context (NP_004127.2, residues 407-427): SMETYLKAVK[Leu417Phe]FRNDQNSSGE

ClinVar aggregate classification (germline): Uncertain significance (1 of 4 stars; one submission).

Allele frequency attached by ClinVar (database versions not stated): gnomAD exomes below 0.00001; ExAC 0.00003.
gnomAD v4.1: 6 of 1,613,582 alleles (0.00037%); highest among the groups gnomAD compares: Non-Finnish European, 0.00051%; no homozygotes.

Submission:

Labcorp Genetics (formerly Invitae), Labcorp
Classification: Uncertain significance. Last evaluated: 2022-07-25. Review status: criteria provided, single submitter. Criteria: Invitae Variant Classification Sherloc (09022015). Collection method: clinical testing. Allele origin: germline.
Comment: Algorithms developed to predict the effect of missense changes on protein structure and function are either unavailable or do not agree on the potential impact of this missense change (SIFT: "Not Available"; PolyPhen-2: "Probably Damaging"; Align-GVGD: "Not Available"). This sequence change replaces leucine, which is neutral and non-polar, with phenylalanine, which is neutral and non-polar, at codon 417 of the IREB2 protein (p.Leu417Phe). This variant is present in population databases (rs755852181, gnomAD 0.004%). This variant has not been reported in the literature in individuals affected with IREB2-related conditions. In summary, the available evidence is currently insufficient to determine the role of this variant in disease. Therefore, it has been classified as a Variant of Uncertain Significance.